The following is an entry in ClinVar:

ClinVar aggregate classification (germline): Uncertain significance (1 of 4 stars; one submission).

Conditions:
Juvenile polyposis syndrome (JPS). Identifiers: Orphanet 2929, MedGen C0345893, MONDO:0017380, OMIM 174900.

Submission:

Labcorp Genetics (formerly Invitae), Labcorp
Classification: Uncertain significance for Juvenile polyposis syndrome. Last evaluated: 2025-12-17. Review status: criteria provided, single submitter. Criteria: Invitae Variant Classification Sherloc (09022015). Collection method: clinical testing. Allele origin: germline.
Comment: This sequence change replaces glutamic acid, which is acidic and polar, with lysine, which is basic and polar, at codon 197 of the BMPR1A protein (p.Glu197Lys). This variant is not present in population databases (gnomAD no frequency). This variant has not been reported in the literature in individuals affected with BMPR1A-related conditions. Invitae Evidence Modeling of protein sequence and biophysical properties (such as structural, functional, and spatial information, amino acid conservation, physicochemical variation, residue mobility, and thermodynamic stability) indicates that this missense variant is not expected to disrupt BMPR1A protein function with a negative predictive value of 80%. In summary, the available evidence is currently insufficient to determine the role of this variant in disease. Therefore, it has been classified as a Variant of Uncertain Significance.

NM_004329.3(BMPR1A):c.589G>A (p.Glu197Lys)

Gene: BMPR1A (bone morphogenetic protein receptor type 1A; plus strand). Cytogenetic location: 10q23.2.
Variant type: single nucleotide variant.
Coding change: c.589G>A on transcript NM_004329.3 (MANE Select); coding-DNA position 589, G replaced by A.
Protein change: p.Glu197Lys; replaces glutamic acid 197 with lysine.
Molecular consequence: missense variant. On other transcripts: non-coding transcript variant (3), intron variant (1).
Genome position (GRCh38, 1-based): chr10:86,912,298, G>A. VCF-style: chr10-86912298-G-A. GRCh37 (hg19) VCF-style: chr10-88672055-G-A.
Other names: c.589G>A, p.Glu197Lys (NM_001406568.1, NM_001406569.1, NM_001406570.1 and 20 more transcripts); c.505G>A, p.Glu169Lys (NM_001406587.1, NM_001406588.1, NM_001406584.1 and 2 more transcripts); c.334-4836G>A (NM_001406589.1); c.664G>A, p.Glu222Lys (NM_001406559.1); c.637G>A, p.Glu213Lys (NM_001406560.1); short protein forms E197K, E213K, E169K, E222K.
Identifiers: ClinVar variation 4740850 (VCV004740850.1).